The following is an entry in ClinVar:

ClinVar aggregate classification (germline): Uncertain significance. Review status: criteria provided, multiple submitters, no conflicts (2 of 4 stars). 3 submissions from 3 submitters: Uncertain significance (3). Last evaluated 2024-11-24.

Conditions:
Birt-Hogg-Dube syndrome. Also called: Birt Hogg Dubé syndrome. Identifiers: Orphanet 122, MedGen C0346010, MONDO:0800444.
Hereditary cancer-predisposing syndrome. Also called: Neoplastic Syndromes, Hereditary; Hereditary neoplastic syndrome; Tumor predisposition; Hereditary Cancer Syndrome. Identifiers: Orphanet 140162, MedGen C0027672, MeSH D009386, MONDO:0015356.

Allele frequency attached by ClinVar (database versions not stated): ExAC 0.00001; gnomAD exomes 0.00001.

Submissions (3):

Labcorp Genetics (formerly Invitae), Labcorp
Classification: Uncertain significance for Birt-Hogg-Dube syndrome. Last evaluated: 2024-11-24. Review status: criteria provided, single submitter. Criteria: Invitae Variant Classification Sherloc (09022015). Collection method: clinical testing. Allele origin: germline.
Comment: This sequence change replaces valine, which is neutral and non-polar, with leucine, which is neutral and non-polar, at codon 24 of the FLCN protein (p.Val24Leu). This variant is present in population databases (rs775626774, gnomAD 0.0009%). This variant has not been reported in the literature in individuals affected with FLCN-related conditions. ClinVar contains an entry for this variant (Variation ID: 838769). Invitae Evidence Modeling of protein sequence and biophysical properties (such as structural, functional, and spatial information, amino acid conservation, physicochemical variation, residue mobility, and thermodynamic stability) indicates that this missense variant is not expected to disrupt FLCN protein function with a negative predictive value of 80%. In summary, the available evidence is currently insufficient to determine the role of this variant in disease. Therefore, it has been classified as a Variant of Uncertain Significance.

Ambry Genetics
Classification: Uncertain significance for Hereditary cancer-predisposing syndrome. Last evaluated: 2023-12-07. Review status: criteria provided, single submitter. Criteria: Ambry Variant Classification Scheme 2023. Collection method: clinical testing. Allele origin: germline.
Comment: The p.V24L variant (also known as c.70G>T), located in coding exon 1 of the FLCN gene, results from a G to T substitution at nucleotide position 70. The valine at codon 24 is replaced by leucine, an amino acid with highly similar properties. This amino acid position is not well conserved in available vertebrate species. In addition, the in silico prediction for this alteration is inconclusive. Since supporting evidence is limited at this time, the clinical significance of this alteration remains unclear.

Baylor Genetics
Classification: Uncertain significance for Birt-Hogg-Dube syndrome 1. Last evaluated: 2023-10-20. Review status: criteria provided, single submitter. Criteria: ACMG Guidelines, 2015. Collection method: clinical testing. Allele origin: unknown.

NM_144997.7(FLCN):c.70G>T (p.Val24Leu)

Gene: FLCN (folliculin; minus strand). Cytogenetic location: 17p11.2.
Variant type: single nucleotide variant.
Coding change: c.70G>T on transcript NM_144997.7 (MANE Select); coding-DNA position 70, G replaced by T.
Protein change: p.Val24Leu; replaces valine 24 with leucine.
Molecular consequence: missense variant.
Genome position (GRCh38, 1-based): chr17:17,228,068, C>A on the plus strand (G>T on the coding strand, the complement: FLCN is on the minus strand). VCF-style: chr17-17228068-C-A. GRCh37 (hg19) VCF-style: chr17-17131382-C-A.
Other names: c.70G>T, p.Val24Leu (NM_001353229.2, NM_001353230.2, NM_001353231.2 and 1 more transcripts); short protein forms V24L.
Identifiers: ClinVar variation 838769 (VCV000838769.10), dbSNP rs775626774, ClinGen allele CA8416527.